The following is an entry in ClinVar:

NM_001367624.2(ZNF469):c.4523C>T (p.Ser1508Phe)

Gene: ZNF469 (zinc finger protein 469; plus strand). Cytogenetic location: 16q24.2.
Variant type: single nucleotide variant.
Coding change: c.4523C>T on transcript NM_001367624.2 (MANE Select); coding-DNA position 4523, C replaced by T.
Protein change: p.Ser1508Phe; replaces serine 1508 with phenylalanine.
Molecular consequence: missense variant.
Genome position (GRCh38, 1-based): chr16:88,431,993, C>T. VCF-style: chr16-88431993-C-T. GRCh37 (hg19) VCF-style: chr16-88498401-C-T.
Other names: NM_001127464.1:c.4439C>T; short protein forms S1508F.
Identifiers: ClinVar variation 3232811 (VCV003232811.1), dbSNP rs2142306255, ClinGen allele CA397092306.

ClinVar aggregate classification (germline): Uncertain significance (1 of 4 stars; one submission).

Conditions:
Cardiovascular phenotype. Identifiers: MedGen CN230736.

Submission:

Ambry Genetics
Classification: Uncertain significance for Cardiovascular phenotype. Last evaluated: 2023-10-12. Review status: criteria provided, single submitter. Criteria: Ambry Variant Classification Scheme 2023. Collection method: clinical testing. Allele origin: germline.
Comment: The p.S1480F variant (also known as c.4439C>T), located in coding exon 2 of the ZNF469 gene, results from a C to T substitution at nucleotide position 4439. The serine at codon 1480 is replaced by phenylalanine, an amino acid with highly dissimilar properties. This amino acid position is conserved. In addition, this alteration is predicted to be tolerated by in silico analysis. Since supporting evidence is limited at this time, the clinical significance of this alteration remains unclear.